The following is an entry in ClinVar:

ClinVar aggregate classification (germline): Uncertain significance (1 of 4 stars; one submission).

Conditions:
Neuropathy, hereditary sensory and autonomic, type 2A (HSAN2A). Also called: ACROOSTEOLYSIS, GIACCAI TYPE; ACROOSTEOLYSIS, NEUROGENIC; MORVAN DISEASE; NEUROPATHY, CONGENITAL SENSORY; NEUROPATHY, HEREDITARY SENSORY RADICULAR, AUTOSOMAL RECESSIVE; NEUROPATHY, HEREDITARY SENSORY, TYPE IIA. Identifiers: Orphanet 970, MedGen C2752089, MONDO:0024309, OMIM 201300.
Pseudohypoaldosteronism type 2C (PHA2C). Also called: Pseudohypoaldosteronism Type IIC. Identifiers: Orphanet 757, Orphanet 88940, MedGen C1840391, MONDO:0013778, OMIM 614492.

Submission:

Labcorp Genetics (formerly Invitae), Labcorp
Classification: Uncertain significance for Neuropathy, hereditary sensory and autonomic, type 2A; Pseudohypoaldosteronism type 2C. Last evaluated: 2025-02-26. Review status: criteria provided, single submitter. Criteria: Invitae Variant Classification Sherloc (09022015). Collection method: clinical testing. Allele origin: germline.
Comment: This sequence change replaces isoleucine, which is neutral and non-polar, with valine, which is neutral and non-polar, at codon 1833 of the WNK1 protein (p.Ile1833Val). This variant is not present in population databases (gnomAD no frequency). This variant has not been reported in the literature in individuals affected with WNK1-related conditions. Invitae Evidence Modeling of protein sequence and biophysical properties (such as structural, functional, and spatial information, amino acid conservation, physicochemical variation, residue mobility, and thermodynamic stability) indicates that this missense variant is not expected to disrupt WNK1 protein function with a negative predictive value of 95%. In summary, the available evidence is currently insufficient to determine the role of this variant in disease. Therefore, it has been classified as a Variant of Uncertain Significance.

NM_018979.4(WNK1):c.4741A>G (p.Ile1581Val)

Gene: WNK1 (WNK lysine deficient protein kinase 1; plus strand). Cytogenetic location: 12p13.33.
Variant type: single nucleotide variant.
Coding change: c.4741A>G on transcript NM_018979.4 (MANE Select); coding-DNA position 4741, A replaced by G.
Protein change: p.Ile1581Val; replaces isoleucine 1581 with valine.
Molecular consequence: missense variant.
Genome position (GRCh38, 1-based): chr12:885,545, A>G. VCF-style: chr12-885545-A-G. GRCh37 (hg19) VCF-style: chr12-994711-A-G.
Other names: c.5521A>G, p.Ile1841Val (NM_001184985.2); c.4000A>G, p.Ile1334Val (NM_014823.3); c.5497A>G, p.Ile1833Val (NM_213655.5); short protein forms I1334V, I1581V, I1841V, I1833V.
Identifiers: ClinVar variation 4792231 (VCV004792231.1).